The following is an entry in ClinVar:

NM_002435.3(MPI):c.826del (p.His276fs)

Gene: MPI (mannose phosphate isomerase; plus strand). Cytogenetic location: 15q24.1.
Variant type: Deletion.
Coding change: c.826del on transcript NM_002435.3 (MANE Select); coding-DNA position 826, one base deleted (C; older notation c.826delC).
Protein change: p.His276fs; shifts the reading frame from histidine 276.
Molecular consequence: frameshift variant.
Genome position (GRCh38, 1-based): chr15:74,896,307, C deleted; the last of 4 consecutive C bases (chr15:74,896,304-74,896,307); deleting any one gives the same sequence. VCF-style (leftmost placement, unchanged base first): chr15-74896303-AC-A. GRCh37 (hg19) VCF-style: chr15-75188644-AC-A.
Other names: c.826del, p.His276fs (NM_001289155.2); c.676del, p.His226fs (NM_001289156.2); c.643del, p.His215fs (NM_001289157.2); c.766del, p.His256fs (NM_001330372.2); short protein forms H215fs, H226fs, H256fs, H276fs.
Identifiers: ClinVar variation 4815044 (VCV004815044.1).

ClinVar aggregate classification (germline): Likely pathogenic (1 of 4 stars; one submission).

Conditions:
MPI-congenital disorder of glycosylation. Also called: CONGENITAL DISORDER OF GLYCOSYLATION, TYPE Ib; CDG Ib; MANNOSEPHOSPHATE ISOMERASE DEFICIENCY; PROTEIN-LOSING ENTEROPATHY-HEPATIC FIBROSIS SYNDROME; MPI-CDG; MPI DEFICIENCY. Identifiers: Orphanet 79319, MedGen C1865145, MONDO:0011257, OMIM 602579.

Submission:

Natera, Inc.
Classification: Likely pathogenic for Congenital disorder of glycosylation type 1b. Last evaluated: 2026-01-21. Review status: criteria provided, single submitter. Criteria: Natera Variant Classification Schema (03/2026). Collection method: clinical testing. Allele origin: germline.
Comment: The c.826del variant in MPI is a frameshift variant predicted to shift the reading frame beginning at codon 276 and leads to a stop codon 4 codons downstream. This variant is expected to result in nonsense mediated decay, truncation, or a dysfunctional protein product. This variant is rare in the general population with a frequency below the threshold expected for the associated phenotype(s). Given the available evidence, this variant is classified as Likely Pathogenic.